The following is an entry in ClinVar:

NM_000350.3(ABCA4):c.1531C>T (p.Arg511Cys)

Gene: ABCA4 (ATP binding cassette subfamily A member 4; minus strand). Cytogenetic location: 1p22.1.
Variant type: single nucleotide variant.
Coding change: c.1531C>T on transcript NM_000350.3 (MANE Select); coding-DNA position 1531, C replaced by T.
Protein change: p.Arg511Cys; replaces arginine 511 with cysteine.
Molecular consequence: missense variant.
Genome position (GRCh38, 1-based): chr1:94,077,713, G>A on the plus strand (C>T on the coding strand, the complement: ABCA4 is on the minus strand). VCF-style: chr1-94077713-G-A. GRCh37 (hg19) VCF-style: chr1-94543269-G-A.
Other names: NM_000350.3(ABCA4):c.1531C>T; p.Arg511Cys; c.1531C>T, p.Arg511Cys (NM_001425324.1); short protein forms R511C.
Identifiers: ClinVar variation 377402 (VCV000377402.37), dbSNP rs752786160, ClinGen allele CA958502.

ClinVar aggregate classification (germline): Pathogenic. Review status: reviewed by expert panel (3 of 4 stars). 13 submissions from 13 submitters: Pathogenic (1). 12 of the submissions do not count toward it. Last evaluated 2026-05-26.

Conditions:
ABCA4-related disorder. Also called: ABCA4-related condition; ABCA4-related disorders. Identifiers: MedGen CN239167.
Retinal dystrophy. Also called: Inherited retinal dystrophy. Identifiers: Orphanet 71862, MedGen C0854723, MeSH D058499, MONDO:0019118, HP:0000556.
Severe early-childhood-onset retinal dystrophy (STGD1). Also called: MACULAR DYSTROPHY WITH FLECKS, TYPE 1; Stargardt macular dystrophy; Juvenile onset macular degeneration; Stargardt disease 1; STGD. Identifiers: Orphanet 364055, Orphanet 827, MedGen C1855465, MeSH D000080362, MONDO:0009549, OMIM 248200.
Cone-rod dystrophy 3 (CORD3). Identifiers: Orphanet 1872, MedGen C1858806, MONDO:0011395, OMIM 604116.
Retinitis pigmentosa 19 (RP19). Also called: ABCA4-Related Retinitis Pigmentosa. Identifiers: Orphanet 791, MedGen C1866422, MONDO:0011137, OMIM 601718.
Age related macular degeneration 2. Also called: MACULAR DEGENERATION, SENILE; MACULOPATHY, AGE-RELATED, 2; MACULOPATHY, AGE-RELATED. Identifiers: MedGen C3495438, MONDO:0007932, OMIM 153800.
ABCA4-related retinopathy. Also called: ABCA4-related retinoapthy; ABCA4 retinoapthy. Identifiers: MedGen CN322612, MONDO:0800406.

Allele frequency attached by ClinVar (database versions not stated): gnomAD 0.00005 and 0.00006; gnomAD exomes 0.00007 and 0.00017; TOPMed 0.00009; ExAC 0.00022.
gnomAD v4.1: 126 of 1,613,382 alleles (0.0078%); highest among the groups gnomAD compares: East Asian, 0.13%; no homozygotes.

Submissions 1 to 8 of 13:

ClinGen ABCA4 Variant Curation Expert Panel, Clingen
Classification: Pathogenic for ABCA4-related retinopathy. Last evaluated: 2026-05-26. Review status: reviewed by expert panel. Criteria: ClinGen ABCA4 ACMG Specifications V1.0.0. Collection method: curation. Allele origin: germline. Inheritance: Autosomal recessive inheritance.
Comment: The NM_000350.3(ABCA4):c.1531C>T variant in ABCA4 is a missense variant predicted to cause substitution of arginine by cysteine at amino acid 511; p.Arg511Cys. The total minor allele frequency in gnomAD v4.1.0 is 0.000078 (126/1613382 alleles), which is lower than the ClinGen ABCA4 VCEP’s threshold for PM2_Supporting (<0.0001). The computational predictor REVEL gives a score of 0.699 which is in the range of 0.644-0.772 meeting PP3. The prevalence of the variant in affected individuals is significantly increased compared with the prevalence in controls with an OR of 5.3 and CI of 2.44-10.82 (PS4; PMID: 35120629). At least one patient with this variant displayed presence of at least two ABCA4 variants identified by a gene panel of over 100 genes, onset under 18 years of age, macular flecks, which is highly specific for ABCA4-related retinopathy (PP4, PMID:33301772). This variant has been detected in at least four more individuals with ABCA4-related retinopathy. Of those individuals, all four were compound heterozygous for the variant and a pathogenic or likely pathogenic variant not confirmed in trans (p.Arg602Trp; p.Thr1537Met; p.Gly1961Glu; p.Arg2107His) (PM3_Strong; PMID:32307445, 26780318, 29925512, 33261146). In summary, this variant meets the criteria to be classified as pathogenic for ABCA4-related retinopathy based on the ACMG/AMP criteria applied, as specified by the ClinGen ABCA4 VCEP (Specification Version 1.0.0): PS4, PM3_Strong, PP4, PP3, PM2_Supporting.

GeneDx
Classification: Pathogenic. Last evaluated: 2026-07-27. Review status: criteria provided, single submitter. Criteria: GeneDx Variant Classification Process June 2021. Collection method: clinical testing. Allele origin: germline. Not counted in ClinVar's aggregate classification.
Comment: In silico analysis supports that this missense variant has a deleterious effect on protein structure/function; This variant is associated with the following publications: (PMID: 25312043, 40244202, 28327576, 21911583, 26780318, 29555955, 25356976, 29925512, 31456290, 30060493, 38499139, 37969115, 39843441, 33261146, 31816670, 31964843, 32307445, 36284460, 33301772, 35120629, 39043154, 33608557, 38219857, 39676705, 40335823)

PreventionGenetics, part of Exact Sciences
Classification: Likely pathogenic for ABCA4-related condition. Last evaluated: 2026-03-13. Review status: criteria provided, single submitter. Criteria: ACMG Guidelines, 2015. Collection method: clinical testing. Allele origin: germline. Not counted in ClinVar's aggregate classification.
Comment: The ABCA4 c.1531C>T variant is predicted to result in the amino acid substitution p.Arg511Cys. This variant has been reported in the homozygous state, or in the heterozygous state with a second probable causative variant, in individuals with suspected ABCA4-associated disease (supplementary data, Zernant et al. 2011. PubMed ID: 21911583; supplementary data, Huang et al. 2014. PubMed ID: 25356976; supplementary data, Khan et al. 2020. PubMed ID: 32307445; supplementary data, Lin et al. 2024. PubMed ID: 38219857; supplementary data, Chen et al. 2021. PubMed ID: 33608557; Lee et al. 2017. PubMed ID: 28327676; Mizobuchi et al. 2024. PubMed ID: 38499139). This variant was also reported in large cohorts of individuals with retinal disease, and was suggested by several authors to be a hypomorphic variant or associated with mild disease (supplementary data, Jiang et al. 2016. PubMed ID: 26780318; supplementary data, Hanany et al. 2020. PubMed ID: 31964843; supplementary data, Sung et al. 2020. PubMed ID: 33261146; supplementary data, Cornelis et al. 2022. PubMed ID: 35120629; supplementary data, Suga et al. 2022. PubMed ID: 36284460). Additionally, this variant was reported along with two or three other ABCA4 variants in individuals with suspected retinal disease (supplementary data, Birtel et al. 2018. PubMed ID: 29555955; Fujinami et al. 2018. PubMed ID: 29925512; supplementary data, Yohe et al. 2019. PubMed ID: 31816670). This variant is sometimes found in cis with c.1531C>T/p.Pro291Leu (see, for example, supplementary data, Sharon et al. 2019. PubMed ID: 31456290; Nassisi et al. 2018. PubMed ID: 30060493). This variant is reported in 0.19% of alleles in individuals of East Asian descent in gnomAD, which is somewhat high for a primary cause of disease but would be consistent with a mild/hypomorphic allele. Taken together, we classify this variant as likely pathogenic for autosomal recessive ABCA4-related disease.

Labcorp Genetics (formerly Invitae), Labcorp
Classification: Pathogenic. Last evaluated: 2025-09-10. Review status: criteria provided, single submitter. Criteria: Invitae Variant Classification Sherloc (09022015). Collection method: clinical testing. Allele origin: germline. Not counted in ClinVar's aggregate classification.
Comment: This sequence change replaces arginine, which is basic and polar, with cysteine, which is neutral and slightly polar, at codon 511 of the ABCA4 protein (p.Arg511Cys). This variant is present in population databases (rs752786160, gnomAD 0.2%). This missense change has been observed in individual(s) with ABCA4-related disease (PMID: 25312043, 25356976, 26780318, 30060493). In at least one individual the data is consistent with being in trans (on the opposite chromosome) from a pathogenic variant. ClinVar contains an entry for this variant (Variation ID: 377402). Invitae Evidence Modeling of protein sequence and biophysical properties (such as structural, functional, and spatial information, amino acid conservation, physicochemical variation, residue mobility, and thermodynamic stability) has been performed for this missense variant. However, the output from this modeling did not meet the statistical confidence thresholds required to predict the impact of this variant on ABCA4 protein function. For these reasons, this variant has been classified as Pathogenic.

SingHealth Duke-NUS Institute of Precision Medicine
Classification: Likely pathogenic for Severe early-childhood-onset retinal dystrophy. Last evaluated: 2025-02-05. Review status: criteria provided, single submitter. Criteria: PRISM ACMG Classification Criteria. Collection method: clinical testing. Allele origin: germline. Affected: yes. Not counted in ClinVar's aggregate classification.
Comment: Homozygous allele count in gnomAD exomes and genomes are less than 0 (PM2). Variant is located in a mutational hotspot where >50% of variants are pathogenic (PM1) . REVEL score is 0.699 (PP3). Found in trans with other pathogenic variants in multiple individuals (PM3, PMID:25356976)

Fulgent Genetics
Classification: Pathogenic for Age related macular degeneration 2; Severe early-childhood-onset retinal dystrophy; Retinitis pigmentosa 19; Cone-rod dystrophy 3. Last evaluated: 2024-06-20. Review status: criteria provided, single submitter. Criteria: ACMG Guidelines, 2015. Collection method: clinical testing. Allele origin: germline. Not counted in ClinVar's aggregate classification.

Blueprint Genetics
Classification: Pathogenic for ABCA4-related disorders. Last evaluated: 2024-03-22. Review status: criteria provided, single submitter. Criteria: ACMG Guidelines, 2015. Collection method: clinical testing. Allele origin: germline. Affected: yes. Observed: 5 variant alleles. Not counted in ClinVar's aggregate classification.

Department of Pathology and Laboratory Medicine, Sinai Health System
Classification: Likely pathogenic for Cone-rod dystrophy 3; Severe early-childhood-onset retinal dystrophy; Retinitis pigmentosa 19. Last evaluated: 2022-11-29. Review status: criteria provided, single submitter. Criteria: ACMG Guidelines, 2015. Collection method: research. Allele origin: germline. Not counted in ClinVar's aggregate classification.